The following is an entry in ClinVar:

ClinVar aggregate classification (germline): Uncertain significance (1 of 4 stars; one submission).

Submission:

GeneDx
Classification: Uncertain significance. Last evaluated: 2020-01-06. Review status: criteria provided, single submitter. Criteria: GeneDx Variant Classification Process June 2021. Collection method: clinical testing. Allele origin: germline. Affected: yes.
Comment: Not observed in large population cohorts (Lek et al., 2016); In-frame deletion of 5 amino acids and insertion of 2 incorrect amino acids in a non-repeat region; In silico analysis, which includes protein predictors and evolutionary conservation, supports a deleterious effect; Has not been previously published as pathogenic or benign to our knowledge

NM_052874.5(STX1B):c.375_385delinsTA (p.Lys125_Val129delinsAsnIle)

Gene: STX1B (syntaxin 1B; minus strand). Cytogenetic location: 16p11.2.
Variant type: Indel.
Coding change: c.375_385delinsTA on transcript NM_052874.5 (MANE Select); coding-DNA positions 375 to 385, GTTCGTGGAGG replaced by TA.
Protein change: p.Lys125_Val129delinsAsnIle.
Molecular consequence: inframe indel.
Genome position (GRCh38, 1-based): chr16:30,997,029-30,997,039, CCTCCACGAAC replaced by TA on the plus strand (GTTCGTGGAGG replaced by TA on the coding strand, the reverse complement: STX1B is on the minus strand). VCF-style: chr16-30997029-CCTCCACGAAC-TA. GRCh37 (hg19) VCF-style: chr16-31008350-CCTCCACGAAC-TA.
Identifiers: ClinVar variation 1312017 (VCV001312017.2), dbSNP rs2143669419, ClinGen allele CA2573054224.